The following is an entry in ClinVar:

ClinVar aggregate classification (germline): Uncertain significance (1 of 4 stars; one submission).

Submission:

Ambry Genetics
Classification: Uncertain significance. Last evaluated: 2025-11-08. Review status: criteria provided, single submitter. Criteria: Ambry Variant Classification Scheme 2023. Collection method: clinical testing. Allele origin: germline.
Comment: The p.E37G variant (also known as c.110A>G), located in coding exon 1 of the MC1R gene, results from an A to G substitution at nucleotide position 110. The glutamic acid at codon 37 is replaced by glycine, an amino acid with similar properties. This amino acid position is conserved. In addition, this alteration is predicted to be tolerated by in silico analysis. Based on the available evidence, the clinical significance of this variant remains unclear.

NM_002386.4(MC1R):c.110A>G (p.Glu37Gly)

Gene: MC1R (melanocortin 1 receptor; plus strand). Cytogenetic location: 16q24.3.
Variant type: single nucleotide variant.
Coding change: c.110A>G on transcript NM_002386.4 (MANE Select); coding-DNA position 110, A replaced by G.
Protein change: p.Glu37Gly; replaces glutamic acid 37 with glycine.
Molecular consequence: missense variant.
Genome position (GRCh38, 1-based): chr16:89,919,368, A>G. VCF-style: chr16-89919368-A-G. GRCh37 (hg19) VCF-style: chr16-89985776-A-G.
Other names: short protein forms E37G.
Identifiers: ClinVar variation 4550310 (VCV004550310.1).